The following is an entry in ClinVar:

NM_001371986.1(UNC80):c.9540G>T (p.Glu3180Asp)

Gene: UNC80 (unc-80 homolog, NALCN channel complex subunit; plus strand). Cytogenetic location: 2q34.
Variant type: single nucleotide variant.
Coding change: c.9540G>T on transcript NM_001371986.1 (MANE Select); coding-DNA position 9540, G replaced by T.
Protein change: p.Glu3180Asp; replaces glutamic acid 3180 with aspartic acid.
Molecular consequence: missense variant.
Genome position (GRCh38, 1-based): chr2:209,994,096, G>T. VCF-style: chr2-209994096-G-T. GRCh37 (hg19) VCF-style: chr2-210858820-G-T.
Other names: c.9342G>T, p.Glu3114Asp (NM_032504.2); c.9270G>T, p.Glu3090Asp (NM_182587.4); short protein forms E3180D, E3090D, E3114D.
Identifiers: ClinVar variation 1912880 (VCV001912880.3), dbSNP rs1468522987, ClinGen allele CA350415746.

ClinVar aggregate classification (germline): Uncertain significance (1 of 4 stars; one submission).

Allele frequency attached by ClinVar (database versions not stated): TOPMed below 0.00001; gnomAD exomes 0.00002; gnomAD 0.00005.
gnomAD v4.1: 35 of 1,551,310 alleles (0.0023%); highest among the groups gnomAD compares: Non-Finnish European, 0.0028%; no homozygotes.

Submission:

Labcorp Genetics (formerly Invitae), Labcorp
Classification: Uncertain significance. Last evaluated: 2022-02-21. Review status: criteria provided, single submitter. Criteria: Invitae Variant Classification Sherloc (09022015). Collection method: clinical testing. Allele origin: germline.
Comment: In summary, the available evidence is currently insufficient to determine the role of this variant in disease. Therefore, it has been classified as a Variant of Uncertain Significance. Algorithms developed to predict the effect of missense changes on protein structure and function are either unavailable or do not agree on the potential impact of this missense change (SIFT: "Not Available"; PolyPhen-2: "Possibly Damaging"; Align-GVGD: "Not Available"). This variant has not been reported in the literature in individuals affected with UNC80-related conditions. This variant is present in population databases (no rsID available, gnomAD 0.03%). This sequence change replaces glutamic acid, which is acidic and polar, with aspartic acid, which is acidic and polar, at codon 3114 of the UNC80 protein (p.Glu3114Asp).